The following is an entry in ClinVar:

NM_001127222.2(CACNA1A):c.5033G>C (p.Arg1678Pro)

Gene: CACNA1A (calcium voltage-gated channel subunit alpha1 A; minus strand). Cytogenetic location: 19p13.13.
Variant type: single nucleotide variant.
Coding change: c.5033G>C on transcript NM_001127222.2 (MANE Select); coding-DNA position 5033, G replaced by C.
Protein change: p.Arg1678Pro; replaces arginine 1678 with proline.
Molecular consequence: missense variant.
Genome position (GRCh38, 1-based): chr19:13,235,648, C>G on the plus strand (G>C on the coding strand, the complement: CACNA1A is on the minus strand). VCF-style: chr19-13235648-C-G. GRCh37 (hg19) VCF-style: chr19-13346462-C-G.
Other names: c.5051G>C, p.Arg1684Pro (NM_000068.4, NM_023035.3); c.5036G>C, p.Arg1679Pro (NM_001127221.2); c.5042G>C, p.Arg1681Pro (NM_001174080.2); short protein forms R1678P, R1679P, R1681P, R1684P.
Identifiers: ClinVar variation 4975825 (VCV004975825.1).

ClinVar aggregate classification (germline): Uncertain significance (1 of 4 stars; one submission).

Submission:

GeneDx
Classification: Uncertain significance. Last evaluated: 2026-02-05. Review status: criteria provided, single submitter. Criteria: GeneDx Variant Classification Process June 2021. Collection method: clinical testing. Allele origin: germline.
Comment: Not observed at significant frequency in large population cohorts (gnomAD); In silico analysis supports that this missense variant has a deleterious effect on protein structure/function; Has not been previously published as pathogenic or benign to our knowledge; This variant is associated with the following publications: (PMID: 36676903)